The following is an entry in ClinVar:

NM_201548.5(CERKL):c.916G>C (p.Val306Leu)

Gene: CERKL (CERK like autophagy regulator; minus strand). Cytogenetic location: 2q31.3.
Variant type: single nucleotide variant.
Coding change: c.916G>C on transcript NM_201548.5 (MANE Select); coding-DNA position 916, G replaced by C.
Protein change: p.Val306Leu; replaces valine 306 with leucine.
Molecular consequence: missense variant. On other transcripts: non-coding transcript variant (2).
Genome position (GRCh38, 1-based): chr2:181,548,837, C>G on the plus strand (G>C on the coding strand, the complement: CERKL is on the minus strand). VCF-style: chr2-181548837-C-G. GRCh37 (hg19) VCF-style: chr2-182413564-C-G.
Other names: c.994G>C, p.Val332Leu (NM_001030311.3); c.577G>C, p.Val193Leu (NM_001030312.3); c.709G>C, p.Val237Leu (NM_001030313.3); c.862G>C, p.Val288Leu (NM_001160277.2); short protein forms V237L, V288L, V306L, V332L, V193L.
Identifiers: ClinVar variation 1478372 (VCV001478372.7), dbSNP rs781692915, ClinGen allele CA349737462.

ClinVar aggregate classification (germline): Uncertain significance. Review status: criteria provided, multiple submitters, no conflicts (2 of 4 stars). 2 submissions from 2 submitters: Uncertain significance (2). Last evaluated 2022-07-05.

Submissions (2):

Labcorp Genetics (formerly Invitae), Labcorp
Classification: Uncertain significance. Last evaluated: 2022-07-05. Review status: criteria provided, single submitter. Criteria: Invitae Variant Classification Sherloc (09022015). Collection method: clinical testing. Allele origin: germline.
Comment: ClinVar contains an entry for this variant (Variation ID: 1478372). In summary, the available evidence is currently insufficient to determine the role of this variant in disease. Therefore, it has been classified as a Variant of Uncertain Significance. Algorithms developed to predict the effect of missense changes on protein structure and function (SIFT, PolyPhen-2, Align-GVGD) all suggest that this variant is likely to be tolerated. This variant has not been reported in the literature in individuals affected with CERKL-related conditions. This variant is not present in population databases (gnomAD no frequency). This sequence change replaces valine, which is neutral and non-polar, with leucine, which is neutral and non-polar, at codon 332 of the CERKL protein (p.Val332Leu).

Blueprint Genetics
Classification: Uncertain significance. Last evaluated: 2021-10-25. Review status: criteria provided, single submitter. Criteria: ACMG Guidelines, 2015. Collection method: clinical testing. Allele origin: germline.